The following is an entry in ClinVar:

NM_145290.4(ADGRA3):c.1657A>G (p.Thr553Ala)

Gene: ADGRA3 (adhesion G protein-coupled receptor A3; minus strand). Cytogenetic location: 4p15.2.
Variant type: single nucleotide variant.
Coding change: c.1657A>G on transcript NM_145290.4 (MANE Select); coding-DNA position 1657, A replaced by G.
Protein change: p.Thr553Ala; replaces threonine 553 with alanine.
Molecular consequence: missense variant.
Genome position (GRCh38, 1-based): chr4:22,421,038, T>C on the plus strand (A>G on the coding strand, the complement: ADGRA3 is on the minus strand). VCF-style: chr4-22421038-T-C. GRCh37 (hg19) VCF-style: chr4-22422661-T-C.
Other names: c.1657A>G (NM_145290.2); short protein forms T553A.
Identifiers: ClinVar variation 1939005 (VCV001939005.6), dbSNP rs1269561753, ClinGen allele CA356481019.

ClinVar aggregate classification (germline): Uncertain significance. Review status: criteria provided, multiple submitters, no conflicts (2 of 4 stars). 2 submissions from 2 submitters: Uncertain significance (2). Last evaluated 2025-11-11.

Allele frequency attached by ClinVar (database versions not stated): gnomAD exomes below 0.00001.

Submissions (2):

Ambry Genetics
Classification: Uncertain significance. Last evaluated: 2025-11-11. Review status: criteria provided, single submitter. Criteria: Ambry Variant Classification Scheme 2023. Collection method: clinical testing. Allele origin: germline.

Labcorp Genetics (formerly Invitae), Labcorp
Classification: Uncertain significance. Last evaluated: 2021-12-13. Review status: criteria provided, single submitter. Criteria: Invitae Variant Classification Sherloc (09022015). Collection method: clinical testing. Allele origin: germline.
Comment: This variant has not been reported in the literature in individuals affected with ADGRA3-related conditions. Algorithms developed to predict the effect of missense changes on protein structure and function (SIFT, PolyPhen-2, Align-GVGD) all suggest that this variant is likely to be tolerated. In summary, the available evidence is currently insufficient to determine the role of this variant in disease. Therefore, it has been classified as a Variant of Uncertain Significance. This variant is present in population databases (no rsID available, gnomAD 0.003%). This sequence change replaces threonine, which is neutral and polar, with alanine, which is neutral and non-polar, at codon 553 of the ADGRA3 protein (p.Thr553Ala).